The following is an entry in ClinVar:

NM_001370298.3(FGD4):c.*3130G>A

Gene: FGD4 (FYVE, RhoGEF and PH domain containing 4; plus strand). Cytogenetic location: 12p11.21.
Variant type: single nucleotide variant.
Coding change: c.*3130G>A on transcript NM_001370298.3 (MANE Select); 3130 bases downstream of the stop codon, G replaced by A.
Molecular consequence: 3 prime UTR variant. On other transcripts: intron variant (3).
Genome position (GRCh38, 1-based): chr12:32,643,663, G>A. VCF-style: chr12-32643663-G-A. GRCh37 (hg19) VCF-style: chr12-32796597-G-A.
Other names: c.*3130G>A (NM_001304481.2, NM_001304484.2, NM_001330373.2 and 5 more transcripts); c.2633-931G>A (NM_001384126.1); c.2222-931G>A (NM_001384127.1, NM_001384128.1).
Identifiers: ClinVar variation 308341 (VCV000308341.6), dbSNP rs73087441, ClinGen allele CA10640937.

ClinVar aggregate classification (germline): Benign. Review status: criteria provided, multiple submitters, no conflicts (2 of 4 stars). 2 submissions from 2 submitters: Benign (2). Last evaluated 2018-01-13.

Conditions:
Charcot-Marie-Tooth disease type 4H (CMT4H). Also called: CHARCOT-MARIE-TOOTH DISEASE, AUTOSOMAL RECESSIVE, TYPE 4H; CHARCOT-MARIE-TOOTH DISEASE, DEMYELINATING, AUTOSOMAL RECESSIVE, TYPE 4H; CHARCOT-MARIE-TOOTH NEUROPATHY, TYPE 4H; CHARCOT-MARIE-TOOTH DISEASE, DEMYELINATING, TYPE 4H. Identifiers: Orphanet 99954, MedGen C1836336, MONDO:0012250, OMIM 609311.

Allele frequency attached by ClinVar (database versions not stated): 1000 Genomes Project 0.06789; TOPMed 0.09777; 1000 Genomes Project 30x 0.07292.

Submissions (2):

Illumina Laboratory Services, Illumina
Classification: Benign for Charcot-Marie-Tooth disease type 4H. Last evaluated: 2018-01-13. Review status: criteria provided, single submitter. Criteria: ICSL Variant Classification Criteria 13 December 2019. Collection method: clinical testing. Allele origin: germline.
Comment: This variant was observed in the ICSL laboratory as part of a predisposition screen in an ostensibly healthy population. It had not been previously curated by ICSL or reported in the Human Gene Mutation Database (HGMD: prior to June 1st, 2018), and was therefore a candidate for classification through an automated scoring system. Utilizing variant allele frequency, disease prevalence and penetrance estimates, and inheritance mode, an automated score was calculated to assess if this variant is too frequent to cause the disease. Based on the score and internal cut-off values, a variant classified as benign is not then subjected to further curation. The score for this variant resulted in a classification of benign for this disease.

Breakthrough Genomics
Classification: Benign. Review status: criteria provided, single submitter. Criteria: ACMG Guidelines, 2015. Collection method: not provided. Allele origin: germline. Inheritance: Autosomal recessive inheritance. Affected: yes.